The following is an entry in ClinVar:

NM_203447.4(DOCK8):c.5845A>G (p.Ile1949Val)

Gene: DOCK8 (dedicator of cytokinesis 8; plus strand). Cytogenetic location: 9p24.3.
Variant type: single nucleotide variant.
Coding change: c.5845A>G on transcript NM_203447.4 (MANE Select); coding-DNA position 5845, A replaced by G.
Protein change: p.Ile1949Val; replaces isoleucine 1949 with valine.
Molecular consequence: missense variant.
Genome position (GRCh38, 1-based): chr9:449,811, A>G. VCF-style: chr9-449811-A-G. GRCh37 (hg19) VCF-style: chr9-449811-A-G.
Other names: c.5845A>G (NM_203447.3); c.5545A>G, p.Ile1849Val (NM_001190458.2); c.5641A>G, p.Ile1881Val (NM_001193536.2); short protein forms I1949V, I1849V, I1881V.
Identifiers: ClinVar variation 1410797 (VCV001410797.5), dbSNP rs1324228204, ClinGen allele CA372769350.
Genomic context (GRCh38, chr9:449,811, plus strand): 5'-AGTGACTTCCCTATGTTTACGTCTCATGTTCAGTTTGTTTTGACACCGATTGAAGTTGCC[A>G]TTGAAGACATGAAGAAGAAGACCCTGCAGTTAGCAGTTGCCATTAACCAGGAGCCGCCTG-3'
Protein context (NP_982272.2, residues 1939-1959): EFVLTPIEVA[Ile1949Val]EDMKKKTLQL

ClinVar aggregate classification (germline): Uncertain significance. Review status: criteria provided, multiple submitters, no conflicts (2 of 4 stars). 3 submissions from 3 submitters: Uncertain significance (3). Last evaluated 2025-06-07.

Conditions:
Inborn genetic diseases. Identifiers: MedGen C0950123, MeSH D030342.
DOCK8-related disorder. Also called: DOCK8-related condition.
Combined immunodeficiency due to DOCK8 deficiency (HIES2). Also called: HYPER-IgE RECURRENT INFECTION SYNDROME 2, AUTOSOMAL RECESSIVE; HYPER-IgE SYNDROME 2, AUTOSOMAL RECESSIVE, WITH RECURRENT INFECTIONS; HIES autosomal recessive; DOCK8 Deficiency; Hyper-IgE recurrent infection syndrome, autosomal recessive. Identifiers: Orphanet 217390, MedGen C4722305, MONDO:0009478, OMIM 243700.

Allele frequency attached by ClinVar (database versions not stated): gnomAD exomes below 0.00001 and 0.00002; TOPMed below 0.00001.
gnomAD v4.1: 28 of 1,613,220 alleles (0.0017%); highest among the groups gnomAD compares: Non-Finnish European, 0.0021%; no homozygotes.

Submissions (3):

Ambry Genetics
Classification: Uncertain significance for Inborn genetic diseases. Last evaluated: 2025-06-07. Review status: criteria provided, single submitter. Criteria: Ambry Variant Classification Scheme 2023. Collection method: clinical testing. Allele origin: germline.

PreventionGenetics, part of Exact Sciences
Classification: Uncertain significance for DOCK8-related condition. Last evaluated: 2023-09-07. Review status: criteria provided, single submitter. Criteria: ACMG Guidelines, 2015. Collection method: clinical testing. Allele origin: germline.
Comment: The DOCK8 c.5845A>G variant is predicted to result in the amino acid substitution p.Ile1949Val. To our knowledge, this variant has not been reported in the literature. This variant is reported in 0.0033% of alleles in individuals of South Asian descent in gnomAD. At this time, the clinical significance of this variant is uncertain due to the absence of conclusive functional and genetic evidence.

Labcorp Genetics (formerly Invitae), Labcorp
Classification: Uncertain significance for Combined immunodeficiency due to DOCK8 deficiency. Last evaluated: 2021-10-22. Review status: criteria provided, single submitter. Criteria: Invitae Variant Classification Sherloc (09022015). Collection method: clinical testing. Allele origin: germline.
Comment: This sequence change replaces isoleucine with valine at codon 1949 of the DOCK8 protein (p.Ile1949Val). The isoleucine residue is highly conserved and there is a small physicochemical difference between isoleucine and valine. This variant is not present in population databases (ExAC no frequency). This variant has not been reported in the literature in individuals affected with DOCK8-related conditions. Algorithms developed to predict the effect of missense changes on protein structure and function are either unavailable or do not agree on the potential impact of this missense change (SIFT: "Deleterious"; PolyPhen-2: "Possibly Damaging"; Align-GVGD: "Class C0"). In summary, the available evidence is currently insufficient to determine the role of this variant in disease. Therefore, it has been classified as a Variant of Uncertain Significance.